The following is an entry in ClinVar:

NM_031418.4(ANO3):c.825G>C (p.Glu275Asp)

Gene: ANO3 (anoctamin 3; plus strand). Cytogenetic location: 11p14.2.
Variant type: single nucleotide variant.
Coding change: c.825G>C on transcript NM_031418.4 (MANE Select); coding-DNA position 825, G replaced by C.
Protein change: p.Glu275Asp; replaces glutamic acid 275 with aspartic acid.
Molecular consequence: missense variant.
Genome position (GRCh38, 1-based): chr11:26,531,292, G>C. VCF-style: chr11-26531292-G-C. GRCh37 (hg19) VCF-style: chr11-26552839-G-C.
Other names: c.1008G>C, p.Glu336Asp (NM_001313726.2); c.387G>C, p.Glu129Asp (NM_001313727.2); short protein forms E129D, E336D, E275D.
Identifiers: ClinVar variation 2731020 (VCV002731020.3), dbSNP rs1367362488, ClinGen allele CA379930103.

ClinVar aggregate classification (germline): Uncertain significance (1 of 4 stars; one submission).

Conditions:
Dystonic disorder. Also called: Dystonia. Identifiers: MedGen C0013421, MONDO:0003441, HP:0001332.

gnomAD v4.1: 1 of 1,613,966 alleles (0.000062%); no homozygotes.

Submission:

Labcorp Genetics (formerly Invitae), Labcorp
Classification: Uncertain significance for Dystonic disorder. Last evaluated: 2023-06-15. Review status: criteria provided, single submitter. Criteria: Invitae Variant Classification Sherloc (09022015). Collection method: clinical testing. Allele origin: germline.
Comment: This sequence change replaces glutamic acid, which is acidic and polar, with aspartic acid, which is acidic and polar, at codon 275 of the ANO3 protein (p.Glu275Asp). This variant is not present in population databases (gnomAD no frequency). This variant has not been reported in the literature in individuals affected with ANO3-related conditions. Advanced modeling of protein sequence and biophysical properties (such as structural, functional, and spatial information, amino acid conservation, physicochemical variation, residue mobility, and thermodynamic stability) performed at Invitae indicates that this missense variant is not expected to disrupt ANO3 protein function. In summary, the available evidence is currently insufficient to determine the role of this variant in disease. Therefore, it has been classified as a Variant of Uncertain Significance.